The following is an entry in ClinVar:

NM_001034850.3(RETREG1):c.188G>T (p.Arg63Leu)

Genes: RETREG1 (reticulophagy regulator 1; minus strand), RETREG1-AS1 (RETREG1 antisense RNA 1; plus strand), LOC129993734 (ATAC-STARR-seq lymphoblastoid silent region 15947; plus strand). Cytogenetic location: 5p15.1.
Variant type: single nucleotide variant.
Coding change: c.188G>T on transcript NM_001034850.3 (MANE Select); coding-DNA position 188, G replaced by T.
Protein change: p.Arg63Leu; replaces arginine 63 with leucine.
Molecular consequence: missense variant.
Genome position (GRCh38, 1-based): chr5:16,616,784, C>A on the plus strand (G>T on the coding strand, the complement: RETREG1 is on the minus strand). VCF-style: chr5-16616784-C-A. GRCh37 (hg19) VCF-style: chr5-16616893-C-A.
Other names: short protein forms R63L.
Identifiers: ClinVar variation 2138907 (VCV002138907.4), dbSNP rs1056863965, ClinGen allele CA359292826.

ClinVar aggregate classification (germline): Uncertain significance (1 of 4 stars; one submission).

gnomAD v4.1: 2 of 1,529,688 alleles (0.00013%); highest among the groups gnomAD compares: African/African-American, 0.0014%; no homozygotes.

Submission:

Labcorp Genetics (formerly Invitae), Labcorp
Classification: Uncertain significance. Last evaluated: 2024-08-08. Review status: criteria provided, single submitter. Criteria: Invitae Variant Classification Sherloc (09022015). Collection method: clinical testing. Allele origin: germline.
Comment: This sequence change replaces arginine, which is basic and polar, with leucine, which is neutral and non-polar, at codon 63 of the RETREG1 protein (p.Arg63Leu). This variant is present in population databases (no rsID available, gnomAD 0.01%). This variant has not been reported in the literature in individuals affected with RETREG1-related conditions. ClinVar contains an entry for this variant (Variation ID: 2138907). Experimental studies and prediction algorithms are not available or were not evaluated, and the functional significance of this variant is currently unknown. In summary, the available evidence is currently insufficient to determine the role of this variant in disease. Therefore, it has been classified as a Variant of Uncertain Significance.